The following is an entry in ClinVar:

ClinVar aggregate classification (germline): Benign. Review status: criteria provided, multiple submitters, no conflicts (2 of 4 stars). 3 submissions from 3 submitters: Benign (2). 1 of the submissions does not count toward it. Last evaluated 2016-03-03.

Conditions:
CHEK1-related disorder. Also called: CHEK1-related condition.

Allele frequency attached by ClinVar (database versions not stated): gnomAD exomes 0.96584 and 0.97315; ExAC 0.97260; ESP Exome Variant Server 0.97385; gnomAD 0.97478 and 0.97490; TOPMed 0.97507; 1000 Genomes Project 0.98582; 1000 Genomes Project 30x 0.98595.
gnomAD v4.1: 1,559,670 of 1,613,302 alleles (97%); highest among the groups gnomAD compares: East Asian, 100%; 754,123 homozygotes.

Submissions (3):

Women's Health and Genetics/Laboratory Corporation of America, LabCorp
Classification: Benign. Last evaluated: 2016-03-03. Review status: criteria provided, single submitter. Criteria: LabCorp Variant Classification Summary - May 2015. Collection method: clinical testing. Allele origin: germline.

Breakthrough Genomics
Classification: Benign. Review status: criteria provided, single submitter. Criteria: ACMG Guidelines, 2015. Collection method: not provided. Allele origin: germline. Inheritance: Unknown mechanism. Affected: yes.

PreventionGenetics, part of Exact Sciences
Classification: Benign for CHEK1-related condition. Last evaluated: 2019-11-06. Review status: no assertion criteria provided. Collection method: clinical testing. Allele origin: germline. Not counted in ClinVar's aggregate classification.
Comment: This variant is classified as benign based on ACMG/AMP sequence variant interpretation guidelines (Richards et al. 2015 PMID: 25741868, with internal and published modifications).

NM_001114122.3(CHEK1):c.1411A>G (p.Ile471Val)

Gene: CHEK1 (checkpoint kinase 1; plus strand). Cytogenetic location: 11q24.2.
Variant type: single nucleotide variant.
Coding change: c.1411A>G on transcript NM_001114122.3 (MANE Select); coding-DNA position 1411, A replaced by G.
Protein change: p.Ile471Val; replaces isoleucine 471 with valine.
Molecular consequence: missense variant. On other transcripts: non-coding transcript variant (2).
Genome position (GRCh38, 1-based): chr11:125,655,300, A>G. VCF-style: chr11-125655300-A-G. GRCh37 (hg19) VCF-style: chr11-125525195-A-G.
Other names: c.1411A>G, p.Ile471Val (NM_001114121.2, NM_001274.5); c.1309A>G, p.Ile437Val (NM_001244846.1); c.1108A>G, p.Ile370Val (NM_001330427.2); c.1129A>G, p.Ile377Val (NM_001330428.1); c.1459A>G (NM_001330427.1); short protein forms I471V, I377V, I437V, I370V.
Identifiers: ClinVar variation 496139 (VCV000496139.4), dbSNP rs506504, ClinGen allele CA6349680.
Genomic context (GRCh38, chr11:125,655,300, plus strand): 5'-TTCAAGAGACACTTCCTGAAGATTAAAGGGAAGCTGATTGATATTGTGAGCAGCCAGAAG[A>G]TTTGGCTTCCTGCCACATGATCGGACCATCGGCTCTGGGGAATCCTGGTGAATATAGTGC-3'
Protein context (NP_001107594.1, residues 461-476): KLIDIVSSQK[Ile471Val]WLPAT